The following is an entry in ClinVar:

ClinVar aggregate classification (germline): Uncertain significance. Review status: criteria provided, multiple submitters, no conflicts (2 of 4 stars). 2 submissions from 2 submitters: Uncertain significance (2). Last evaluated 2025-05-31.

Conditions:
Inborn genetic diseases. Identifiers: MedGen C0950123, MeSH D030342.
Fanconi anemia (FA). Also called: Fanconi's anemia. Identifiers: Orphanet 84, MedGen C0015625, MeSH D005199, MONDO:0019391.

Allele frequency attached by ClinVar (database versions not stated): TOPMed below 0.00001.
gnomAD v4.1: 5 of 1,613,910 alleles (0.00031%); highest among the groups gnomAD compares: East Asian, 0.0022%; no homozygotes.

Submissions (2):

Ambry Genetics
Classification: Uncertain significance for Inborn genetic diseases. Last evaluated: 2025-05-31. Review status: criteria provided, single submitter. Criteria: Ambry Variant Classification Scheme 2023. Collection method: clinical testing. Allele origin: germline.
Comment: The p.L937V variant (also known as c.2809C>G), located in coding exon 29 of the FANCA gene, results from a C to G substitution at nucleotide position 2809. The leucine at codon 937 is replaced by valine, an amino acid with highly similar properties. This amino acid position is conserved. In addition, the in silico prediction for this alteration is inconclusive. Based on the available evidence, the clinical significance of this variant remains unclear.

Labcorp Genetics (formerly Invitae), Labcorp
Classification: Uncertain significance for Fanconi anemia. Last evaluated: 2024-05-05. Review status: criteria provided, single submitter. Criteria: Invitae Variant Classification Sherloc (09022015). Collection method: clinical testing. Allele origin: germline.
Comment: This sequence change replaces leucine, which is neutral and non-polar, with valine, which is neutral and non-polar, at codon 937 of the FANCA protein (p.Leu937Val). This variant is present in population databases (rs773381553, gnomAD 0.004%). This variant has not been reported in the literature in individuals affected with FANCA-related conditions. Advanced modeling of protein sequence and biophysical properties (such as structural, functional, and spatial information, amino acid conservation, physicochemical variation, residue mobility, and thermodynamic stability) has been performed at Invitae for this missense variant, however the output from this modeling did not meet the statistical confidence thresholds required to predict the impact of this variant on FANCA protein function. In summary, the available evidence is currently insufficient to determine the role of this variant in disease. Therefore, it has been classified as a Variant of Uncertain Significance.

NM_000135.4(FANCA):c.2809C>G (p.Leu937Val)

Gene: FANCA (FA complementation group A; minus strand). Cytogenetic location: 16q24.3.
Variant type: single nucleotide variant.
Coding change: c.2809C>G on transcript NM_000135.4 (MANE Select); coding-DNA position 2809, C replaced by G.
Protein change: p.Leu937Val; replaces leucine 937 with valine.
Molecular consequence: missense variant.
Genome position (GRCh38, 1-based): chr16:89,761,992, G>C on the plus strand (C>G on the coding strand, the complement: FANCA is on the minus strand). VCF-style: chr16-89761992-G-C. GRCh37 (hg19) VCF-style: chr16-89828400-G-C.
Other names: c.2809C>G, p.Leu937Val (NM_001286167.3); short protein forms L937V.
Identifiers: ClinVar variation 2896266 (VCV002896266.4), dbSNP rs773381553, ClinGen allele CA8251495.
Genomic context (GRCh38, chr16:89,761,992, plus strand): 5'-CTCTTTTCAACACTTACCGTTCAGTATCTGAAAGAGCATCAGCTTCAGGTTGAATTTCCA[G>C]CTCCAGGTGTAACCAGTCTTGGTAAGTTAACTGAGAAAGAGAGCAAGCAATTCAATACAA-3'
Protein context (NP_000126.2, residues 927-947): LTYQDWLHLE[Leu937Val]EIQPEADALS